The following is an entry in ClinVar:

NM_000383.4(AIRE):c.1158C>T (p.Ala386=)

Gene: AIRE (autoimmune regulator; plus strand). Cytogenetic location: 21q22.3.
Variant type: single nucleotide variant.
Coding change: c.1158C>T on transcript NM_000383.4 (MANE Select); coding-DNA position 1158, C replaced by T.
Protein change: p.Ala386=; no amino-acid change (alanine 386 retained).
Molecular consequence: synonymous variant.
Genome position (GRCh38, 1-based): chr21:44,293,055, C>T. VCF-style: chr21-44293055-C-T. GRCh37 (hg19) VCF-style: chr21-45712938-C-T.
Identifiers: ClinVar variation 728694 (VCV000728694.20), dbSNP rs199555518, ClinGen allele CA10051967.

ClinVar aggregate classification (germline): Likely benign. Review status: criteria provided, multiple submitters, no conflicts (2 of 4 stars). 4 submissions from 4 submitters: Likely benign (3). 1 of the submissions does not count toward it. Last evaluated 2026-01-27.

Conditions:
Polyglandular autoimmune syndrome, type 1 (APS1). Also called: Autoimmune polyendocrine syndrome type 1; APS I; HYPOADRENOCORTICISM WITH HYPOPARATHYROIDISM AND SUPERFICIAL MONILIASIS; PGA I; Autoimmune polyendocrinopathy syndrome , type I, with or without reversible metaphyseal dysplasia; AUTOIMMUNE POLYENDOCRINE SYNDROME, TYPE I, WITH OR WITHOUT REVERSIBLE METAPHYSEAL DYSPLASIA. Identifiers: Orphanet 3453, MedGen C0085859, MONDO:0009411, OMIM 240300.

Allele frequency attached by ClinVar (database versions not stated): gnomAD 0.00013 and 0.00011; 1000 Genomes Project 30x 0.00016; ESP Exome Variant Server 0.00008; TOPMed 0.00016; 1000 Genomes Project 0.00020.

Submissions (4):

Labcorp Genetics (formerly Invitae), Labcorp
Classification: Likely benign for Polyglandular autoimmune syndrome, type 1. Last evaluated: 2026-01-27. Review status: criteria provided, single submitter. Criteria: Invitae Variant Classification Sherloc (09022015). Collection method: clinical testing. Allele origin: germline.

CeGaT Center for Human Genetics Tuebingen
Classification: Likely benign. Last evaluated: 2025-03-01. Review status: criteria provided, single submitter. Criteria: CeGaT Center For Human Genetics Tuebingen Variant Classification Criteria Version 2. Collection method: clinical testing. Allele origin: germline. Affected: yes. Observed: 1 variant allele.
Comment: AIRE: BP4, BP7

Blueprint Genetics
Classification: Likely benign. Last evaluated: 2024-11-15. Review status: criteria provided, single submitter. Criteria: ACMG Guidelines, 2015. Collection method: clinical testing. Allele origin: germline.

Natera, Inc.
Classification: Likely benign for Polyglandular autoimmune syndrome type 1. Last evaluated: 2020-06-23. Review status: no assertion criteria provided. Collection method: clinical testing. Allele origin: germline. Not counted in ClinVar's aggregate classification.